The following is an entry in ClinVar:

NM_001145442.1(POTEM):c.1449A>G (p.Glu483=)

Gene: POTEM (POTE ankyrin domain family member M; plus strand). Cytogenetic location: 14q11.2.
Variant type: single nucleotide variant.
Coding change: c.1449A>G on transcript NM_001145442.1 (MANE Select); coding-DNA position 1449, A replaced by G.
Protein change: p.Glu483=; no amino-acid change (glutamic acid 483 retained).
Molecular consequence: synonymous variant.
Genome position (GRCh38, 1-based): chr14:18,997,080, A>G. VCF-style: chr14-18997080-A-G. GRCh37 (hg19) VCF-style: chr14-19990626-T-C.
Identifiers: ClinVar variation 3388782 (VCV003388782.14).

ClinVar aggregate classification (germline): Likely benign (1 of 4 stars; one submission).

Submission:

CeGaT Center for Human Genetics Tuebingen
Classification: Likely benign. Last evaluated: 2026-08-01. Review status: criteria provided, single submitter. Criteria: CeGaT Center For Human Genetics Tuebingen Variant Classification Criteria Version 2. Collection method: clinical testing. Allele origin: germline. Affected: yes. Observed: 2 variant alleles.
Comment: POTEM: PM2:Supporting, BP4, BP7